The following is an entry in ClinVar:

NM_000081.4(LYST):c.9868G>A (p.Val3290Met)

Gene: LYST (lysosomal trafficking regulator; minus strand). Cytogenetic location: 1q42.3.
Variant type: single nucleotide variant.
Coding change: c.9868G>A on transcript NM_000081.4 (MANE Select); coding-DNA position 9868, G replaced by A.
Protein change: p.Val3290Met; replaces valine 3290 with methionine.
Molecular consequence: missense variant.
Genome position (GRCh38, 1-based): chr1:235,712,114, C>T on the plus strand (G>A on the coding strand, the complement: LYST is on the minus strand). VCF-style: chr1-235712114-C-T. GRCh37 (hg19) VCF-style: chr1-235875414-C-T.
Other names: c.9868G>A, p.Val3290Met (NM_001301365.1); short protein forms V3290M.
Identifiers: ClinVar variation 2037101 (VCV002037101.1), dbSNP rs2527380879, ClinGen allele CA344937530.

ClinVar aggregate classification (germline): Uncertain significance (1 of 4 stars; one submission).

Conditions:
Chédiak-Higashi syndrome (CHS). Also called: Chediak-Higashi Syndrome. Identifiers: Orphanet 167, MedGen C0007965, MONDO:0008963, OMIM 214500.

Submission:

Labcorp Genetics (formerly Invitae), Labcorp
Classification: Uncertain significance for Chédiak-Higashi syndrome. Last evaluated: 2021-12-08. Review status: criteria provided, single submitter. Criteria: Invitae Variant Classification Sherloc (09022015). Collection method: clinical testing. Allele origin: germline.
Comment: This sequence change replaces valine, which is neutral and non-polar, with methionine, which is neutral and non-polar, at codon 3290 of the LYST protein (p.Val3290Met). This variant is not present in population databases (gnomAD no frequency). This variant has not been reported in the literature in individuals affected with LYST-related conditions. Algorithms developed to predict the effect of missense changes on protein structure and function are either unavailable or do not agree on the potential impact of this missense change (SIFT: "Deleterious"; PolyPhen-2: "Probably Damaging"; Align-GVGD: "Class C0"). In summary, the available evidence is currently insufficient to determine the role of this variant in disease. Therefore, it has been classified as a Variant of Uncertain Significance.